The following is an entry in ClinVar:

ClinVar aggregate classification (germline): Uncertain significance (1 of 4 stars; one submission).

gnomAD v4.1: 5 of 1,613,026 alleles (0.00031%); highest among the groups gnomAD compares: Non-Finnish European, 0.00042%; no homozygotes.

Submission:

Ambry Genetics
Classification: Uncertain significance. Last evaluated: 2025-03-01. Review status: criteria provided, single submitter. Criteria: Ambry Variant Classification Scheme 2023. Collection method: clinical testing. Allele origin: germline.
Comment: The p.R1404C variant (also known as c.4210C>T), located in coding exon 14 of the CDK12 gene, results from a C to T substitution at nucleotide position 4210. The arginine at codon 1404 is replaced by cysteine, an amino acid with highly dissimilar properties. This amino acid position is conserved. In addition, this alteration is predicted to be deleterious by in silico analysis. Based on the available evidence, the clinical significance of this variant remains unclear.

NM_016507.4(CDK12):c.4210C>T (p.Arg1404Cys)

Gene: CDK12 (cyclin dependent kinase 12; plus strand). Cytogenetic location: 17q12.
Variant type: single nucleotide variant.
Coding change: c.4210C>T on transcript NM_016507.4 (MANE Select); coding-DNA position 4210, C replaced by T.
Protein change: p.Arg1404Cys; replaces arginine 1404 with cysteine.
Molecular consequence: missense variant.
Genome position (GRCh38, 1-based): chr17:39,531,053, C>T. VCF-style: chr17-39531053-C-T. GRCh37 (hg19) VCF-style: chr17-37687306-C-T.
Other names: c.4183C>T, p.Arg1395Cys (NM_015083.4); short protein forms R1395C, R1404C.
Identifiers: ClinVar variation 3830730 (VCV003830730.1).